The following is an entry in ClinVar:

NM_030665.4(RAI1):c.1310C>T (p.Ala437Val)

Gene: RAI1 (retinoic acid induced 1; plus strand). Cytogenetic location: 17p11.2.
Variant type: single nucleotide variant.
Coding change: c.1310C>T on transcript NM_030665.4 (MANE Select); coding-DNA position 1310, C replaced by T.
Protein change: p.Ala437Val; replaces alanine 437 with valine.
Molecular consequence: missense variant.
Genome position (GRCh38, 1-based): chr17:17,794,258, C>T. VCF-style: chr17-17794258-C-T. GRCh37 (hg19) VCF-style: chr17-17697572-C-T.
Other names: c.1310C>T (NM_030665.3); short protein forms A437V.
Identifiers: ClinVar variation 1345663 (VCV001345663.7), dbSNP rs767340319, ClinGen allele CA8418309.
Genomic context (GRCh38, chr17:17,794,258, plus strand): 5'-TTCAGAAGGACAAGCTCCCTGAGAACCTGCTGTCGGATCTCAGCCTGCAGAGCCTCACGG[C>T]GCTGACCTCACAGGTGGAGAACATCTCCAACACCGTCCAGCAGCTGCTGCTCTCCAAGGC-3'
Protein context (NP_109590.3, residues 427-447): LSDLSLQSLT[Ala437Val]LTSQVENISN

ClinVar aggregate classification (germline): Uncertain significance. Review status: criteria provided, multiple submitters, no conflicts (2 of 4 stars). 2 submissions from 2 submitters: Uncertain significance (2). Last evaluated 2025-11-24.

Conditions:
RAI1-related disorder. Also called: RAI1-related condition.

Allele frequency attached by ClinVar (database versions not stated): ExAC 0.00002.
gnomAD v4.1: 7 of 1,613,346 alleles (0.00043%); highest among the groups gnomAD compares: South Asian, 0.0011%; no homozygotes.

Submissions (2):

PreventionGenetics, part of Exact Sciences
Classification: Uncertain significance for RAI1-related condition. Last evaluated: 2025-11-24. Review status: criteria provided, single submitter. Criteria: ACMG Guidelines, 2015. Collection method: clinical testing. Allele origin: germline.
Comment: The RAI1 c.1310C>T variant is predicted to result in the amino acid substitution p.Ala437Val. To our knowledge, this variant has not been reported in the literature. This variant is reported in 0.0018% of alleles in individuals of European (Non-Finnish) descent in gnomAD. At this time, the clinical significance of this variant is uncertain due to the absence of conclusive functional and genetic evidence.

Labcorp Genetics (formerly Invitae), Labcorp
Classification: Uncertain significance. Last evaluated: 2024-06-15. Review status: criteria provided, single submitter. Criteria: Invitae Variant Classification Sherloc (09022015). Collection method: clinical testing. Allele origin: germline.
Comment: This sequence change replaces alanine, which is neutral and non-polar, with valine, which is neutral and non-polar, at codon 437 of the RAI1 protein (p.Ala437Val). This variant is present in population databases (rs767340319, gnomAD 0.002%). This variant has not been reported in the literature in individuals affected with RAI1-related conditions. ClinVar contains an entry for this variant (Variation ID: 1345663). Advanced modeling of protein sequence and biophysical properties (such as structural, functional, and spatial information, amino acid conservation, physicochemical variation, residue mobility, and thermodynamic stability) performed at Invitae indicates that this missense variant is expected to disrupt RAI1 protein function with a positive predictive value of 80%. In summary, the available evidence is currently insufficient to determine the role of this variant in disease. Therefore, it has been classified as a Variant of Uncertain Significance.